The following is an entry in ClinVar:

NM_001365951.3(KIF1B):c.549G>C (p.Lys183Asn)

Gene: KIF1B (kinesin family member 1B; plus strand). Cytogenetic location: 1p36.22.
Variant type: single nucleotide variant.
Coding change: c.549G>C on transcript NM_001365951.3 (MANE Select); coding-DNA position 549, G replaced by C.
Protein change: p.Lys183Asn; replaces lysine 183 with asparagine.
Molecular consequence: missense variant.
Genome position (GRCh38, 1-based): chr1:10,267,499, G>C. VCF-style: chr1-10267499-G-C. GRCh37 (hg19) VCF-style: chr1-10327557-G-C.
Other names: c.549G>C, p.Lys183Asn (NM_001365952.1, NM_001365953.1, NM_015074.3 and 1 more transcripts); short protein forms K183N.
Identifiers: ClinVar variation 476789 (VCV000476789.11), dbSNP rs1308362049, ClinGen allele CA338329699.

ClinVar aggregate classification (germline): Uncertain significance. Review status: criteria provided, multiple submitters, no conflicts (2 of 4 stars). 2 submissions from 2 submitters: Uncertain significance (2). Last evaluated 2025-02-16.

Conditions:
Charcot-Marie-Tooth disease type 2. Also called: Charcot-Marie-Tooth type 2. Identifiers: Orphanet 64746, MedGen C0270914, MONDO:0018993.

Allele frequency attached by ClinVar (database versions not stated): gnomAD 0.00001.
gnomAD v4.1: 1 of 1,614,092 alleles (0.000062%); highest among the groups gnomAD compares: Admixed American, 0.0017%; no homozygotes.

Submissions (2):

Ambry Genetics
Classification: Uncertain significance. Last evaluated: 2025-02-16. Review status: criteria provided, single submitter. Criteria: Ambry Variant Classification Scheme 2023. Collection method: clinical testing. Allele origin: germline.
Comment: The p.K183N variant (also known as c.549G>C), located in coding exon 5 of the KIF1B gene, results from a G to C substitution at nucleotide position 549. The lysine at codon 183 is replaced by asparagine, an amino acid with similar properties. This amino acid position is conserved. In addition, the in silico prediction for this alteration is inconclusive. Based on the available evidence, the clinical significance of this variant remains unclear.

Labcorp Genetics (formerly Invitae), Labcorp
Classification: Uncertain significance for Charcot-Marie-Tooth disease type 2. Last evaluated: 2019-04-04. Review status: criteria provided, single submitter. Criteria: Invitae Variant Classification Sherloc (09022015). Collection method: clinical testing. Allele origin: germline.
Comment: This sequence change replaces lysine with asparagine at codon 183 of the KIF1B protein (p.Lys183Asn). The lysine residue is highly conserved and there is a moderate physicochemical difference between lysine and asparagine. Algorithms developed to predict the effect of missense changes on protein structure and function do not agree on the potential impact of this missense change (SIFT: "Deleterious"; PolyPhen-2: "Probably Damaging"; Align-GVGD: "Class C0"). In summary, this variant is a novel missense change with uncertain impact on protein function. It has been classified as a Variant of Uncertain Significance. This variant is not present in population databases (ExAC no frequency) and has not been reported in the literature in individuals with a KIF1B-related disease.